The following is an entry in ClinVar:

ClinVar aggregate classification (germline): Likely benign. Review status: criteria provided, multiple submitters, no conflicts (2 of 4 stars). 3 submissions from 3 submitters: Likely benign (2). 1 of the submissions does not count toward it. Last evaluated 2025-10-23.

Conditions:
Hereditary cancer-predisposing syndrome. Also called: Tumor predisposition; Hereditary neoplastic syndrome; Hereditary Cancer Syndrome; Neoplastic Syndromes, Hereditary. Identifiers: Orphanet 140162, MedGen C0027672, MeSH D009386, MONDO:0015356.
Cardiovascular phenotype. Identifiers: MedGen CN230736.
LZTR1-related disorder. Also called: LZTR1-related disorders; LZTR1-related condition.

Allele frequency attached by ClinVar (database versions not stated): ExAC 0.00002; gnomAD exomes 0.00002; gnomAD 0.00003; TOPMed 0.00003.
gnomAD v4.1: 37 of 1,612,244 alleles (0.0023%); highest among the groups gnomAD compares: Middle Eastern, 0.016%; no homozygotes.

Submissions (3):

Labcorp Genetics (formerly Invitae), Labcorp
Classification: Likely benign. Last evaluated: 2025-10-23. Review status: criteria provided, single submitter. Criteria: Invitae Variant Classification Sherloc (09022015). Collection method: clinical testing. Allele origin: germline.

Ambry Genetics
Classification: Likely benign for Cardiovascular phenotype; Hereditary cancer-predisposing syndrome. Last evaluated: 2022-02-22. Review status: criteria provided, single submitter. Criteria: Ambry Variant Classification Scheme 2023. Collection method: clinical testing. Allele origin: germline.

PreventionGenetics, part of Exact Sciences
Classification: Likely benign for LZTR1-related condition. Last evaluated: 2021-02-17. Review status: no assertion criteria provided. Collection method: clinical testing. Allele origin: germline. Not counted in ClinVar's aggregate classification.
Comment: This variant is classified as likely benign based on ACMG/AMP sequence variant interpretation guidelines (Richards et al. 2015 PMID: 25741868, with internal and published modifications).

NM_006767.4(LZTR1):c.1758C>T (p.Ala586=)

Gene: LZTR1 (leucine zipper like post translational regulator 1; plus strand). Cytogenetic location: 22q11.21.
Variant type: single nucleotide variant.
Coding change: c.1758C>T on transcript NM_006767.4 (MANE Select); coding-DNA position 1758, C replaced by T.
Protein change: p.Ala586=; no amino-acid change (alanine 586 retained).
Molecular consequence: synonymous variant.
Genome position (GRCh38, 1-based): chr22:20,994,700, C>T. VCF-style: chr22-20994700-C-T. GRCh37 (hg19) VCF-style: chr22-21348989-C-T.
Identifiers: ClinVar variation 1096286 (VCV001096286.13), dbSNP rs764325793, ClinGen allele CA10119047.